The following is an entry in ClinVar:

NM_000038.6(APC):c.4119del (p.Glu1374fs)

Gene: APC (APC regulator of Wnt signaling pathway; plus strand). Cytogenetic location: 5q22.2.
Variant type: Deletion.
Coding change: c.4119del on transcript NM_000038.6 (MANE Select); coding-DNA position 4119, one base deleted (T; older notation c.4119delT).
Protein change: p.Glu1374fs; shifts the reading frame from glutamic acid 1374.
Molecular consequence: frameshift variant. On other transcripts: non-coding transcript variant (2).
Genome position (GRCh38, 1-based): chr5:112,839,713, T deleted. VCF-style (leftmost placement, unchanged base first): chr5-112839712-CT-C. GRCh37 (hg19) VCF-style: chr5-112175409-CT-C.
Other names: c.4119del, p.Glu1374fs (NM_001127510.3, NM_001354895.2, NM_001407450.1); c.4065del, p.Glu1356fs (NM_001127511.3); c.4173del, p.Glu1392fs (NM_001354896.2, NM_001407447.1, NM_001407448.1 and 1 more transcripts); c.4149del, p.Glu1384fs (NM_001354897.2); c.4044del, p.Glu1349fs (NM_001354898.2); c.4035del, p.Glu1346fs (NM_001354899.2); c.3996del, p.Glu1333fs (NM_001354900.2); c.3942del, p.Glu1315fs (NM_001354901.2, NM_001407453.1); and 11 more; short protein forms E1091fs, E1214fs, E1245fs, E1248fs, E1273fs, E1283fs, E1291fs, E1315fs.
Identifiers: ClinVar variation 2583563 (VCV002583563.1), dbSNP rs2528227620, ClinGen allele CA2582341556.

ClinVar aggregate classification (germline): Pathogenic (1 of 4 stars; one submission).

Conditions:
Familial adenomatous polyposis 1 (FAP1). Also called: POLYPOSIS, ADENOMATOUS INTESTINAL; FAMILIAL ADENOMATOUS POLYPOSIS 1, ATTENUATED. Identifiers: MedGen C2713442, MONDO:0021056, OMIM 175100. Disease mechanism: loss of function.

Submission:

Myriad Genetics, Inc.
Classification: Pathogenic for Familial adenomatous polyposis 1. Last evaluated: 2023-05-10. Review status: criteria provided, single submitter. Criteria: Myriad Autosomal Dominant, Autosomal Recessive and X-Linked Classification Criteria (2023). Collection method: clinical testing. Allele origin: unknown.
Comment: This variant is considered pathogenic. This variant creates a frameshift predicted to result in premature protein truncation.